The following is an entry in ClinVar:

NM_001113378.2(FANCI):c.1013T>C (p.Phe338Ser)

Gene: FANCI (FA complementation group I; plus strand). Cytogenetic location: 15q26.1.
Variant type: single nucleotide variant.
Coding change: c.1013T>C on transcript NM_001113378.2 (MANE Select); coding-DNA position 1013, T replaced by C.
Protein change: p.Phe338Ser; replaces phenylalanine 338 with serine.
Molecular consequence: missense variant.
Genome position (GRCh38, 1-based): chr15:89,274,205, T>C. VCF-style: chr15-89274205-T-C. GRCh37 (hg19) VCF-style: chr15-89817436-T-C.
Other names: c.734T>C, p.Phe245Ser (NM_001376910.1); c.1013T>C, p.Phe338Ser (NM_001376911.1, NM_018193.3); short protein forms F245S, F338S.
Identifiers: ClinVar variation 2754506 (VCV002754506.3), dbSNP rs2506222480, ClinGen allele CA393741576.

ClinVar aggregate classification (germline): Uncertain significance (1 of 4 stars; one submission).

Conditions:
Fanconi anemia (FA). Also called: Fanconi's anemia. Identifiers: Orphanet 84, MedGen C0015625, MeSH D005199, MONDO:0019391.

Submission:

Labcorp Genetics (formerly Invitae), Labcorp
Classification: Uncertain significance for Fanconi anemia. Last evaluated: 2023-08-23. Review status: criteria provided, single submitter. Criteria: Invitae Variant Classification Sherloc (09022015). Collection method: clinical testing. Allele origin: germline.
Comment: In summary, the available evidence is currently insufficient to determine the role of this variant in disease. Therefore, it has been classified as a Variant of Uncertain Significance. Advanced modeling of protein sequence and biophysical properties (such as structural, functional, and spatial information, amino acid conservation, physicochemical variation, residue mobility, and thermodynamic stability) performed at Invitae indicates that this missense variant is expected to disrupt FANCI protein function. This variant is not present in population databases (gnomAD no frequency). This variant has not been reported in the literature in individuals affected with FANCI-related conditions. This sequence change replaces phenylalanine, which is neutral and non-polar, with serine, which is neutral and polar, at codon 338 of the FANCI protein (p.Phe338Ser).